The following is an entry in ClinVar:

ClinVar aggregate classification (germline): Uncertain significance (1 of 4 stars; one submission).

Submission:

Labcorp Genetics (formerly Invitae), Labcorp
Classification: Uncertain significance. Last evaluated: 2022-08-05. Review status: criteria provided, single submitter. Criteria: Invitae Variant Classification Sherloc (09022015). Collection method: clinical testing. Allele origin: germline.
Comment: In summary, the available evidence is currently insufficient to determine the role of this variant in disease. Therefore, it has been classified as a Variant of Uncertain Significance. Experimental studies and prediction algorithms are not available or were not evaluated, and the functional significance of this variant is currently unknown. This variant has not been reported in the literature in individuals affected with POLE-related conditions. This variant is a gross deletion of the genomic region encompassing exon(s) 40-41 of the POLE gene. This variant would be expected to be in-frame, preserving the integrity of the reading frame.

NC_000012.11:g.(?_133214590)_(133215894_?)del

Gene: POLE (DNA polymerase epsilon, catalytic subunit; minus strand). Cytogenetic location: 12q24.33.
Variant type: Deletion.
Identifiers: ClinVar variation 2425538 (VCV002425538.4).